The following is an entry in ClinVar:

ClinVar aggregate classification (germline): Uncertain significance. Review status: criteria provided, multiple submitters, no conflicts (2 of 4 stars). 2 submissions from 2 submitters: Uncertain significance (2). Last evaluated 2026-04-27.

Conditions:
Charlevoix-Saguenay spastic ataxia (SACS). Also called: Spastic ataxia of Charlevoix-Saguenay; SPASTIC ATAXIA 6, AUTOSOMAL RECESSIVE; AUTOSOMAL RECESSIVE SPASTIC ATAXIA OF CHARLEVOIX-SAGUENAY. Identifiers: Orphanet 98, MedGen C1849140, MONDO:0010041, OMIM 270550.

gnomAD v4.1: 19 of 1,614,084 alleles (0.0012%); highest among the groups gnomAD compares: Non-Finnish European, 0.0015%; no homozygotes.

Submissions (2):

Myriad Genetics, Inc.
Classification: Uncertain significance for Charlevoix-Saguenay spastic ataxia. Last evaluated: 2026-04-27. Review status: criteria provided, single submitter. Criteria: Myriad Autosomal Dominant, Autosomal Recessive and X-Linked Classification Criteria (2023). Collection method: clinical testing. Allele origin: unknown.
Comment: NM_014363.4(SACS):c.12416T>C(L4139S) is a missense variant classified as a variant of uncertain significance in the context of autosomal recessive spastic ataxia of Charlevoix-Saguenay. L4139S has been observed in a case with relevant disease (PMID: 29538656). Relevant functional assessments of this variant are not available in the literature. L4139S has not been observed in referenced population frequency databases. In summary, there is insufficient evidence to classify NM_014363.4(SACS):c.12416T>C(L4139S) as pathogenic or benign. Please note: this variant was assessed in the context of healthy population screening.

PROSPAX: an integrated multimodal progression  chart in spastic ataxias, Center for Neurology; Hertie-Institute for Clinical Brain Research
Classification: Uncertain significance for Charlevoix-Saguenay spastic ataxia. Last evaluated: 2022-01-01. Review status: criteria provided, single submitter. Criteria: ACMG Guidelines, 2015. Collection method: research. Allele origin: germline. Affected: yes. Observed: 1 variant allele, 1 compound heterozygote.

Literature cited by the submitters: PubMed 29538656 (cited by Myriad Genetics, Inc.).

NM_014363.6(SACS):c.12416T>C (p.Leu4139Ser)

Gene: SACS (sacsin molecular chaperone; minus strand). Cytogenetic location: 13q12.12.
Variant type: single nucleotide variant.
Coding change: c.12416T>C on transcript NM_014363.6 (MANE Select); coding-DNA position 12416, T replaced by C.
Protein change: p.Leu4139Ser; replaces leucine 4139 with serine.
Molecular consequence: missense variant.
Genome position (GRCh38, 1-based): chr13:23,331,460, A>G on the plus strand (T>C on the coding strand, the complement: SACS is on the minus strand). VCF-style: chr13-23331460-A-G. GRCh37 (hg19) VCF-style: chr13-23905599-A-G.
Other names: c.11975T>C, p.Leu3992Ser (NM_001278055.2); short protein forms L3992S, L4139S.
Identifiers: ClinVar variation 3236326 (VCV003236326.2).